The following is an entry in ClinVar:

NM_000543.5(SMPD1):c.1354C>G (p.Leu452Val)

Gene: SMPD1 (sphingomyelin phosphodiesterase 1; plus strand). Cytogenetic location: 11p15.4.
Variant type: single nucleotide variant.
Coding change: c.1354C>G on transcript NM_000543.5 (MANE Select); coding-DNA position 1354, C replaced by G.
Protein change: p.Leu452Val; replaces leucine 452 with valine.
Molecular consequence: missense variant. On other transcripts: non-coding transcript variant (2).
Genome position (GRCh38, 1-based): chr11:6,393,909, C>G. VCF-style: chr11-6393909-C-G. GRCh37 (hg19) VCF-style: chr11-6415139-C-G.
Other names: c.1351C>G, p.Leu451Val (NM_001007593.3); c.1354C>G, p.Leu452Val (NM_001318087.2); c.433C>G, p.Leu145Val (NM_001318088.2); c.1222C>G, p.Leu408Val (NM_001365135.2); short protein forms L451V, L452V, L408V, L145V.
Identifiers: ClinVar variation 1383609 (VCV001383609.6), dbSNP rs2134021009, ClinGen allele CA379374800.
Genomic context (GRCh38, chr11:6,393,909, plus strand): 5'-TTCCTACCCCTCCCTAGAATCTTCTGAATGTAGTACCTTCTGGCCAGGTATGAGAACACC[C>G]TGGCTGCTCAGTTCTTTGGCCACACTCATGTGGATGAATTTGAGGTCTTCTATGATGAAG-3'
Protein context (NP_000534.3, residues 442-462): YRIVARYENT[Leu452Val]AAQFFGHTHV

ClinVar aggregate classification (germline): Uncertain significance (1 of 4 stars; one submission).

Conditions:
Niemann-Pick disease, type B. Also called: Chronic Visceral ASMD (Niemann-Pick Disease Type B; NPD-B). Identifiers: Orphanet 77293, MedGen C0268243, MONDO:0011871, OMIM 607616. Disease mechanism: loss of function.
Niemann-Pick disease, type A. Also called: SPHINGOMYELIN LIPIDOSIS; SPHINGOMYELINASE DEFICIENCY; Infantile Neurovisceral ASMD (Niemann-Pick Disease Type A; NPD-A). Identifiers: Orphanet 77292, MedGen C0268242, MONDO:0009756, OMIM 257200. Disease mechanism: loss of function.

Submission:

Labcorp Genetics (formerly Invitae), Labcorp
Classification: Uncertain significance for Niemann-Pick disease, type B; Niemann-Pick disease, type A. Last evaluated: 2021-12-02. Review status: criteria provided, single submitter. Criteria: Invitae Variant Classification Sherloc (09022015). Collection method: clinical testing. Allele origin: germline.
Comment: In summary, the available evidence is currently insufficient to determine the role of this variant in disease. Therefore, it has been classified as a Variant of Uncertain Significance. Advanced modeling of protein sequence and biophysical properties (such as structural, functional, and spatial information, amino acid conservation, physicochemical variation, residue mobility, and thermodynamic stability) performed at Invitae indicates that this missense variant is not expected to disrupt SMPD1 protein function. This variant has not been reported in the literature in individuals affected with SMPD1-related conditions. This variant is not present in population databases (gnomAD no frequency). This sequence change replaces leucine, which is neutral and non-polar, with valine, which is neutral and non-polar, at codon 452 of the SMPD1 protein (p.Leu452Val).